The following is an entry in ClinVar:

NM_003119.4(SPG7):c.2365G>A (p.Glu789Lys)

Gene: SPG7 (SPG7 matrix AAA peptidase subunit, paraplegin; plus strand). Cytogenetic location: 16q24.3.
Variant type: single nucleotide variant.
Coding change: c.2365G>A on transcript NM_003119.4 (MANE Select); coding-DNA position 2365, G replaced by A.
Protein change: p.Glu789Lys; replaces glutamic acid 789 with lysine.
Molecular consequence: missense variant. On other transcripts: 3 prime UTR variant (1).
Genome position (GRCh38, 1-based): chr16:89,557,070, G>A. VCF-style: chr16-89557070-G-A. GRCh37 (hg19) VCF-style: chr16-89623478-G-A.
Other names: c.*143G>A (NM_001363850.1); short protein forms E789K.
Identifiers: ClinVar variation 573283 (VCV000573283.8), dbSNP rs372033226, ClinGen allele CA8244661.

ClinVar aggregate classification (germline): Uncertain significance (1 of 4 stars; one submission).

Conditions:
Hereditary spastic paraplegia 7 (SPG7). Also called: SPG7-related neurologic disorder; SPASTIC PARAPLEGIA 7, AUTOSOMAL RECESSIVE, WITH OR WITHOUT CEREBELLAR ATAXIA; Spastic paraplegia 7; Hereditary spastic paraplegia Paraplegin type; Autosomal recessive spastic paraplegia type 7. Identifiers: Orphanet 99013, MedGen C1846564, MONDO:0011803, OMIM 607259.

Allele frequency attached by ClinVar (database versions not stated): TOPMed 0.00002.
gnomAD v4.1: 8 of 1,611,664 alleles (0.0005%); highest among the groups gnomAD compares: East Asian, 0.0045%; no homozygotes.

Submission:

Labcorp Genetics (formerly Invitae), Labcorp
Classification: Uncertain significance for Hereditary spastic paraplegia 7. Last evaluated: 2018-05-30. Review status: criteria provided, single submitter. Criteria: Invitae Variant Classification Sherloc (09022015). Collection method: clinical testing. Allele origin: germline.
Comment: This sequence change replaces glutamic acid with lysine at codon 789 of the SPG7 protein (p.Glu789Lys). The glutamic acid residue is weakly conserved and there is a small physicochemical difference between glutamic acid and lysine. This variant is present in population databases (rs372033226, ExAC 0.01%). This variant has not been reported in the literature in individuals with SPG7-related disease. Algorithms developed to predict the effect of missense changes on protein structure and function output the following: SIFT: "Tolerated"; PolyPhen-2: "Benign"; Align-GVGD: "Class C0". The lysine amino acid residue is found in multiple mammalian species, suggesting that this missense change does not adversely affect protein function. These predictions have not been confirmed by published functional studies and their clinical significance is uncertain. In summary, the available evidence is currently insufficient to determine the role of this variant in disease. Therefore, it has been classified as a Variant of Uncertain Significance.